The following is an entry in ClinVar:

NM_177972.3(TUB):c.566-4C>G

Genes: RIC3 (RIC3 acetylcholine receptor chaperone; minus strand), TUB (TUB bipartite transcription factor; plus strand). Cytogenetic location: 11p15.4.
Variant type: single nucleotide variant.
Coding change: c.566-4C>G on transcript NM_177972.3 (MANE Select); 4 bases into the intron before coding-DNA position 566, C replaced by G.
Molecular consequence: intron variant.
Genome position (GRCh38, 1-based): chr11:8,096,681, C>G. VCF-style: chr11-8096681-C-G. GRCh37 (hg19) VCF-style: chr11-8118228-C-G.
Other names: c.584-4C>G (NM_001440538.1, NM_001440539.1); c.416-4C>G (NM_001440540.1, NM_001440542.1); c.731-4C>G (NM_003320.5); c.398-4C>G (NM_001440541.1).
Identifiers: ClinVar variation 4995251 (VCV004995251.1).

ClinVar aggregate classification (germline): Likely benign (1 of 4 stars; one submission).

Conditions:
TUB-related disorder. Also called: TUB-related condition.

Submission:

PreventionGenetics, part of Exact Sciences
Classification: Likely benign for TUB-related condition. Last evaluated: 2026-06-26. Review status: criteria provided, single submitter. Criteria: ACMG Guidelines, 2015. Collection method: clinical testing. Allele origin: germline.
Comment: This variant is classified as likely benign based on ACMG/AMP sequence variant interpretation guidelines (Richards et al. 2015 PMID: 25741868, with internal and published modifications).